The following is an entry in ClinVar:

NM_017636.4(TRPM4):c.1151-5T>C

Gene: TRPM4 (transient receptor potential cation channel subfamily M member 4; plus strand). Cytogenetic location: 19q13.33.
Variant type: single nucleotide variant.
Coding change: c.1151-5T>C on transcript NM_017636.4 (MANE Select); 5 bases into the intron before coding-DNA position 1151, T replaced by C.
Molecular consequence: intron variant.
Genome position (GRCh38, 1-based): chr19:49,181,344, T>C. VCF-style: chr19-49181344-T-C. GRCh37 (hg19) VCF-style: chr19-49684601-T-C.
Other names: c.1151-5T>C (NM_001195227.2); c.-403-5T>C (NM_001321282.2); c.806-5T>C (NM_001321281.2); c.629-5T>C (NM_001321283.2); c.202-1234T>C (NM_001321285.2).
Identifiers: ClinVar variation 3226998 (VCV003226998.1), dbSNP rs1265443407, ClinGen allele CA2340279670.

ClinVar aggregate classification (germline): Uncertain significance (1 of 4 stars; one submission).

Conditions:
Cardiovascular phenotype. Identifiers: MedGen CN230736.

Submission:

Ambry Genetics
Classification: Uncertain significance for Cardiovascular phenotype. Last evaluated: 2023-12-08. Review status: criteria provided, single submitter. Criteria: Ambry Variant Classification Scheme 2023. Collection method: clinical testing. Allele origin: germline.
Comment: The c.1151-5T>C intronic variant results from a T to C substitution 5 nucleotides upstream from coding exon 10 in the TRPM4 gene. This nucleotide position is well conserved in available vertebrate species. In silico splice site analysis for this alteration is inconclusive. Since supporting evidence is limited at this time, the clinical significance of this alteration remains unclear.